The following is an entry in ClinVar:

ClinVar aggregate classification (germline): Uncertain significance. Review status: criteria provided, multiple submitters, no conflicts (2 of 4 stars). 2 submissions from 2 submitters: Uncertain significance (2). Last evaluated 2024-03-07.

Conditions:
Ehlers-Danlos syndrome, type 4 (EDSVASC). Also called: Ehlers-Danlos syndrome vascular type; Ehlers Danlos syndrome, ecchymotic type; Ehlers Danlos syndrome, arterial type; Ehlers Danlos syndrome, Sack-Barabas type; Ehlers-Danlos Syndrome Type IV. Identifiers: Orphanet 286, MedGen C0268338, MONDO:0017314, OMIM 130050.

Allele frequency attached by ClinVar (database versions not stated): gnomAD exomes below 0.00001; ExAC 0.00001.
gnomAD v4.1: 1 of 1,614,010 alleles (0.000062%); highest among the groups gnomAD compares: Non-Finnish European, 0.000085%; no homozygotes.

Submissions (2):

Labcorp Genetics (formerly Invitae), Labcorp
Classification: Uncertain significance for Ehlers-Danlos syndrome, type 4. Last evaluated: 2024-03-07. Review status: criteria provided, single submitter. Criteria: Invitae Variant Classification Sherloc (09022015). Collection method: clinical testing. Allele origin: germline.
Comment: This sequence change replaces proline, which is neutral and non-polar, with leucine, which is neutral and non-polar, at codon 941 of the COL3A1 protein (p.Pro941Leu). This variant is present in population databases (rs747784033, gnomAD 0.0009%). This variant has not been reported in the literature in individuals affected with COL3A1-related conditions. An algorithm developed to predict the effect of missense changes on protein structure and function (PolyPhen-2) suggests that this variant is likely to be disruptive. In summary, the available evidence is currently insufficient to determine the role of this variant in disease. Therefore, it has been classified as a Variant of Uncertain Significance.

Mayo Clinic Laboratories, Mayo Clinic
Classification: Uncertain significance. Last evaluated: 2023-03-01. Review status: criteria provided, single submitter. Criteria: ACMG Guidelines, 2015. Collection method: clinical testing. Allele origin: germline. Observed: 1 variant allele.
Comment: PP2

NM_000090.4(COL3A1):c.2822C>T (p.Pro941Leu)

Gene: COL3A1 (collagen type III alpha 1 chain; plus strand). Cytogenetic location: 2q32.2.
Variant type: single nucleotide variant.
Coding change: c.2822C>T on transcript NM_000090.4 (MANE Select); coding-DNA position 2822, C replaced by T.
Protein change: p.Pro941Leu; replaces proline 941 with leucine.
Molecular consequence: missense variant.
Genome position (GRCh38, 1-based): chr2:189,004,142, C>T. VCF-style: chr2-189004142-C-T. GRCh37 (hg19) VCF-style: chr2-189868868-C-T.
Other names: p.Pro941Leu; short protein forms P941L.
Identifiers: ClinVar variation 2682804 (VCV002682804.3), dbSNP rs747784033, ClinGen allele CA075607.
Genomic context (GRCh38, chr2:189,004,142, plus strand): 5'-GACCAAAAGGTGATGCTGGCCAACCAGGAGAGAAGGGATCGCCTGGTGCCCAGGGCCCAC[C>T]AGTAAGTAACTTCATTTTTTTAAATTGATTCTACTATTTTGATTTTTATCACAAATCGAT-3'
Protein context (NP_000081.2, residues 931-951): EKGSPGAQGP[Pro941Leu]GAPGPLGIAG